The following is an entry in ClinVar:

ClinVar aggregate classification (germline): Uncertain significance. Review status: criteria provided, multiple submitters, no conflicts (2 of 4 stars). 6 submissions from 6 submitters: Uncertain significance (6). Last evaluated 2025-12-08.

Conditions:
Inborn genetic diseases. Identifiers: MedGen C0950123, MeSH D030342.
Methylmalonic aciduria, cblB type (MACB). Also called: Methylmalonic acidemia cblB type; Vitamin B12-responsive methylmalonic acidemia type cblB; METHYLMALONIC ACIDURIA, VITAMIN B12-RESPONSIVE, DUE TO DEFECT IN SYNTHESIS OF ADENOSYLCOBALAMIN, cblB TYPE. Identifiers: Orphanet 28, Orphanet 79311, MedGen C1855102, MONDO:0009614, OMIM 251110.

Allele frequency attached by ClinVar (database versions not stated): ExAC 0.00002; gnomAD 0.00007; TOPMed 0.00007; ESP Exome Variant Server 0.00008; 1000 Genomes Project 0.00020; 1000 Genomes Project 30x 0.00031.
gnomAD v4.1: 24 of 1,611,132 alleles (0.0015%); highest among the groups gnomAD compares: African/African-American, 0.025%; no homozygotes.

Submissions (6):

Women's Health and Genetics/Laboratory Corporation of America, LabCorp
Classification: Uncertain significance. Last evaluated: 2025-12-08. Review status: criteria provided, single submitter. Criteria: LabCorp Variant Classification Summary - May 2015. Collection method: clinical testing. Allele origin: germline.

Labcorp Genetics (formerly Invitae), Labcorp
Classification: Uncertain significance for Methylmalonic aciduria, cblB type. Last evaluated: 2025-01-06. Review status: criteria provided, single submitter. Criteria: Invitae Variant Classification Sherloc (09022015). Collection method: clinical testing. Allele origin: germline.
Comment: This sequence change replaces leucine, which is neutral and non-polar, with phenylalanine, which is neutral and non-polar, at codon 27 of the MMAB protein (p.Leu27Phe). This variant is present in population databases (rs150895111, gnomAD 0.03%). This variant has not been reported in the literature in individuals affected with MMAB-related conditions. ClinVar contains an entry for this variant (Variation ID: 284358). Invitae Evidence Modeling of protein sequence and biophysical properties (such as structural, functional, and spatial information, amino acid conservation, physicochemical variation, residue mobility, and thermodynamic stability) indicates that this missense variant is not expected to disrupt MMAB protein function with a negative predictive value of 95%. In summary, the available evidence is currently insufficient to determine the role of this variant in disease. Therefore, it has been classified as a Variant of Uncertain Significance.

Revvity Omics, Revvity
Classification: Uncertain significance for Methylmalonic aciduria, cblB type. Last evaluated: 2022-04-22. Review status: criteria provided, single submitter. Criteria: ACMG Guidelines, 2015. Collection method: clinical testing. Allele origin: germline.

Ambry Genetics
Classification: Uncertain significance for Inborn genetic diseases. Last evaluated: 2022-03-16. Review status: criteria provided, single submitter. Criteria: Ambry Variant Classification Scheme 2023. Collection method: clinical testing. Allele origin: germline.

Eurofins Ntd Llc (ga)
Classification: Uncertain significance. Last evaluated: 2015-11-07. Review status: criteria provided, single submitter. Criteria: EGL Classification Definitions 2015. Collection method: clinical testing. Allele origin: germline. Observed: 1 variant allele, 1 heterozygote.

Breakthrough Genomics
Classification: Uncertain significance. Review status: criteria provided, single submitter. Criteria: ACMG Guidelines, 2015. Collection method: not provided. Allele origin: germline. Inheritance: Autosomal recessive inheritance. Affected: yes.

NM_052845.4(MMAB):c.79C>T (p.Leu27Phe)

Genes: MVK (mevalonate kinase; plus strand), MMAB (metabolism of cobalamin associated B; minus strand). Cytogenetic location: 12q24.11.
Variant type: single nucleotide variant.
Coding change: c.79C>T on transcript NM_052845.4 (MANE Select); coding-DNA position 79, C replaced by T.
Protein change: p.Leu27Phe; replaces leucine 27 with phenylalanine.
Molecular consequence: missense variant. On other transcripts: non-coding transcript variant (1).
Genome position (GRCh38, 1-based): chr12:109,573,402, G>A on the plus strand (C>T on the coding strand, the complement: MMAB is on the minus strand). VCF-style: chr12-109573402-G-A. GRCh37 (hg19) VCF-style: chr12-110011207-G-A.
Other names: c.79C>T (NM_052845.3); short protein forms L27F.
Identifiers: ClinVar variation 284358 (VCV000284358.14), dbSNP rs150895111, ClinGen allele CA6779067.